The following is an entry in ClinVar:

NM_006206.6(PDGFRA):c.1734G>A (p.Met578Ile)

Gene: PDGFRA (platelet derived growth factor receptor alpha; plus strand). Cytogenetic location: 4q12.
Variant type: single nucleotide variant.
Coding change: c.1734G>A on transcript NM_006206.6 (MANE Select); coding-DNA position 1734, G replaced by A.
Protein change: p.Met578Ile; replaces methionine 578 with isoleucine.
Molecular consequence: missense variant.
Genome position (GRCh38, 1-based): chr4:54,274,921, G>A. VCF-style: chr4-54274921-G-A. GRCh37 (hg19) VCF-style: chr4-55141088-G-A.
Other names: c.1734G>A, p.Met578Ile (NM_001347827.2, NM_001347829.2); c.1809G>A, p.Met603Ile (NM_001347828.2); c.1773G>A, p.Met591Ile (NM_001347830.2); short protein forms M591I, M578I, M603I.
Identifiers: ClinVar variation 2453869 (VCV002453869.2), dbSNP rs2110300232, ClinGen allele CA356893193.

ClinVar aggregate classification (germline): Uncertain significance (1 of 4 stars; one submission).

Conditions:
Hereditary cancer-predisposing syndrome. Also called: Neoplastic Syndromes, Hereditary; Hereditary neoplastic syndrome; Tumor predisposition; Hereditary Cancer Syndrome. Identifiers: Orphanet 140162, MedGen C0027672, MeSH D009386, MONDO:0015356.

Submission:

Ambry Genetics
Classification: Uncertain significance for Hereditary cancer-predisposing syndrome. Last evaluated: 2023-02-05. Review status: criteria provided, single submitter. Criteria: Ambry Variant Classification Scheme 2023. Collection method: clinical testing. Allele origin: germline.
Comment: The p.M578I variant (also known as c.1734G>A), located in coding exon 11 of the PDGFRA gene, results from a G to A substitution at nucleotide position 1734. The methionine at codon 578 is replaced by isoleucine, an amino acid with highly similar properties. This amino acid position is conserved. In addition, the in silico prediction for this alteration is inconclusive. Since supporting evidence is limited at this time, the clinical significance of this alteration remains unclear.